The following is an entry in ClinVar:

NM_000179.3(MSH6):c.353_354insTC (p.Phe119fs)

Gene: MSH6 (mutS homolog 6; plus strand). Cytogenetic location: 2p16.3.
Variant type: Insertion.
Coding change: c.353_354insTC on transcript NM_000179.3 (MANE Select); coding-DNA positions 353 to 354, TC inserted.
Protein change: p.Phe119fs; shifts the reading frame from phenylalanine 119.
Molecular consequence: frameshift variant. On other transcripts: 5 prime UTR variant (7), non-coding transcript variant (5), intron variant (6).
Genome position: GRCh38 VCF-style: chr2-47791018-A-ACT. GRCh37 (hg19) VCF-style: chr2-48018157-A-ACT.
Other names: c.-384_-383insTC (NM_001281493.2, NM_001406811.1, NM_001406823.1 and 1 more transcripts); c.-550_-549insTC (NM_001281494.2); c.449_450insTC, p.Phe151fs (NM_001406795.1, NM_001406802.1); c.353_354insTC, p.Phe119fs (NM_001406796.1, NM_001406798.1, NM_001406800.1 and 6 more transcripts); c.56_57insTC, p.Phe20fs (NM_001406797.1, NM_001406801.1, NM_001406805.1 and 10 more transcripts); c.275_276insTC, p.Phe93fs (NM_001406804.1); c.-576_-575insTC (NM_001406807.1); c.-280+49_-280+50insTC (NM_001406812.1); and 6 more; short protein forms F119fs, F151fs, F20fs, F63fs, F93fs.
Identifiers: ClinVar variation 2571078 (VCV002571078.27), dbSNP rs2530435540, ClinGen allele CA2580612948.
Genomic context (GRCh38, chr2:47,791,018, plus strand): 5'-GCCAAGATGGAGGGTTACCCCTGGTGGCCTTGTCTGGTTTACAACCACCCCTTTGATGGA[A>ACT]CATTCATCCGCGAGAAAGGGAAATCAGTCCGTGTTCATGTACAGTTTTTTGATGACAGCC-3'

ClinVar aggregate classification (germline): Pathogenic (1 of 4 stars; one submission).

Submission:

CeGaT Center for Human Genetics Tuebingen
Classification: Pathogenic. Last evaluated: 2023-05-01. Review status: criteria provided, single submitter. Criteria: CeGaT Center For Human Genetics Tuebingen Variant Classification Criteria Version 2. Collection method: clinical testing. Allele origin: germline. Affected: yes. Observed: 1 variant allele.
Comment: MSH6: PVS1, PM2